The following is an entry in ClinVar:

ClinVar aggregate classification (germline): Uncertain significance. Review status: criteria provided, multiple submitters, no conflicts (2 of 4 stars). 2 submissions from 2 submitters: Uncertain significance (2). Last evaluated 2025-10-15.

Conditions:
Idiopathic generalized epilepsy. Also called: EIG; Generalised epilepsy. Identifiers: MedGen C0270850, MONDO:0005579, OMIM 600669.
Hyperaldosteronism, familial, type IV (HALD4). Also called: FH IV; ALDOSTERONISM, PRIMARY, AND HYPERTENSION. Identifiers: Orphanet 642671, MedGen C4310756, MONDO:0014875, OMIM 617027.
Inborn genetic diseases. Identifiers: MedGen C0950123, MeSH D030342.

Allele frequency attached by ClinVar (database versions not stated): gnomAD exomes 0.00001 and 0.00002; gnomAD 0.00003; TOPMed 0.00003; ExAC 0.00004.
gnomAD v4.1: 23 of 1,612,306 alleles (0.0014%); highest among the groups gnomAD compares: African/African-American, 0.004%; no homozygotes.

Submissions (2):

Ambry Genetics
Classification: Uncertain significance for Inborn genetic diseases. Last evaluated: 2025-10-15. Review status: criteria provided, single submitter. Criteria: Ambry Variant Classification Scheme 2023. Collection method: clinical testing. Allele origin: germline.

Labcorp Genetics (formerly Invitae), Labcorp
Classification: Uncertain significance for Idiopathic generalized epilepsy; Hyperaldosteronism, familial, type IV. Last evaluated: 2025-06-12. Review status: criteria provided, single submitter. Criteria: Invitae Variant Classification Sherloc (09022015). Collection method: clinical testing. Allele origin: germline.
Comment: This sequence change replaces arginine, which is basic and polar, with cysteine, which is neutral and slightly polar, at codon 1674 of the CACNA1H protein (p.Arg1674Cys). The frequency data for this variant in the population databases is considered unreliable, as metrics indicate poor data quality at this position in the gnomAD database. This variant has not been reported in the literature in individuals affected with CACNA1H-related conditions. ClinVar contains an entry for this variant (Variation ID: 460136). Invitae Evidence Modeling of protein sequence and biophysical properties (such as structural, functional, and spatial information, amino acid conservation, physicochemical variation, residue mobility, and thermodynamic stability) indicates that this missense variant is expected to disrupt CACNA1H protein function with a positive predictive value of 80%. In summary, the available evidence is currently insufficient to determine the role of this variant in disease. Therefore, it has been classified as a Variant of Uncertain Significance.

NM_021098.3(CACNA1H):c.5020C>T (p.Arg1674Cys)

Gene: CACNA1H (calcium voltage-gated channel subunit alpha1 H; plus strand). Cytogenetic location: 16p13.3.
Variant type: single nucleotide variant.
Coding change: c.5020C>T on transcript NM_021098.3 (MANE Select); coding-DNA position 5020, C replaced by T.
Protein change: p.Arg1674Cys; replaces arginine 1674 with cysteine.
Molecular consequence: missense variant.
Genome position (GRCh38, 1-based): chr16:1,215,062, C>T. VCF-style: chr16-1215062-C-T. GRCh37 (hg19) VCF-style: chr16-1265062-C-T.
Other names: c.5002C>T, p.Arg1668Cys (NM_001005407.2); short protein forms R1674C, R1668C.
Identifiers: ClinVar variation 460136 (VCV000460136.13), dbSNP rs771932368, ClinGen allele CA7801733.